The following is an entry in ClinVar:

ClinVar aggregate classification (germline): Uncertain significance (1 of 4 stars; one submission).

Conditions:
Hereditary cancer-predisposing syndrome. Also called: Neoplastic Syndromes, Hereditary; Tumor predisposition; Hereditary Cancer Syndrome; Hereditary neoplastic syndrome. Identifiers: Orphanet 140162, MedGen C0027672, MeSH D009386, MONDO:0015356.

Submission:

Ambry Genetics
Classification: Uncertain significance for Hereditary cancer-predisposing syndrome. Last evaluated: 2021-10-22. Review status: criteria provided, single submitter. Criteria: Ambry Variant Classification Scheme 2023. Collection method: clinical testing. Allele origin: germline.
Comment: The p.G528R variant (also known as c.1582G>C), located in coding exon 11 of the PMS2 gene, results from a G to C substitution at nucleotide position 1582. The glycine at codon 528 is replaced by arginine, an amino acid with dissimilar properties. This amino acid position is poorly conserved in available vertebrate species. In addition, this alteration is predicted to be tolerated by in silico analysis. Since supporting evidence is limited at this time, the clinical significance of this alteration remains unclear.

NM_000535.7(PMS2):c.1582G>C (p.Gly528Arg)

Gene: PMS2 (PMS1 homolog 2, mismatch repair system component; minus strand). Cytogenetic location: 7p22.1.
Variant type: single nucleotide variant.
Coding change: c.1582G>C on transcript NM_000535.7 (MANE Select); coding-DNA position 1582, G replaced by C.
Protein change: p.Gly528Arg; replaces glycine 528 with arginine.
Molecular consequence: missense variant. On other transcripts: non-coding transcript variant (1).
Genome position (GRCh38, 1-based): chr7:5,987,183, C>G on the plus strand (G>C on the coding strand, the complement: PMS2 is on the minus strand). VCF-style: chr7-5987183-C-G. GRCh37 (hg19) VCF-style: chr7-6026814-C-G.
Other names: c.1177G>C, p.Gly393Arg (NM_001018040.1, NM_001322003.2, NM_001322004.2 and 17 more transcripts); c.1426G>C, p.Gly476Arg (NM_001322006.2, NM_001406870.1); c.1264G>C, p.Gly422Arg (NM_001322007.2, NM_001322008.2, NM_001406876.1 and 2 more transcripts); c.1021G>C, p.Gly341Arg (NM_001322010.2, NM_001406906.1, NM_001406907.1); c.649G>C, p.Gly217Arg (NM_001322011.2, NM_001322012.2); c.1009G>C, p.Gly337Arg (NM_001322013.2, NM_001406909.1); c.1582G>C, p.Gly528Arg (NM_001322014.2, NM_001406871.1, NM_001406872.1); c.1273G>C, p.Gly425Arg (NM_001322015.2, NM_001406875.1, NM_001406877.1 and 5 more transcripts); and 12 more; short protein forms G217R, G337R, G341R, G393R, G590R, G271R, G357R, G370R.
Identifiers: ClinVar variation 1775741 (VCV001775741.2), dbSNP rs1354150928, ClinGen allele CA366741548.